The following is an entry in ClinVar:

ClinVar aggregate classification (germline): Uncertain significance. Review status: criteria provided, multiple submitters, no conflicts (2 of 4 stars). 2 submissions from 2 submitters: Uncertain significance (2). Last evaluated 2025-06-23.

Submissions (2):

GeneDx
Classification: Uncertain significance. Last evaluated: 2025-06-23. Review status: criteria provided, single submitter. Criteria: GeneDx Variant Classification Process June 2021. Collection method: clinical testing. Allele origin: germline. Affected: yes.
Comment: Not observed at significant frequency in large population cohorts (gnomAD); In silico analysis suggests that this missense variant does not alter protein structure/function; Has not been previously published as pathogenic or benign to our knowledge

Labcorp Genetics (formerly Invitae), Labcorp
Classification: Uncertain significance. Last evaluated: 2025-05-11. Review status: criteria provided, single submitter. Criteria: Invitae Variant Classification Sherloc (09022015). Collection method: clinical testing. Allele origin: germline.
Comment: This sequence change replaces leucine, which is neutral and non-polar, with serine, which is neutral and polar, at codon 4036 of the RNF213 protein (p.Leu4036Ser). This variant is not present in population databases (gnomAD no frequency). This variant has not been reported in the literature in individuals affected with RNF213-related conditions. Invitae Evidence Modeling of protein sequence and biophysical properties (such as structural, functional, and spatial information, amino acid conservation, physicochemical variation, residue mobility, and thermodynamic stability) indicates that this missense variant is not expected to disrupt RNF213 protein function with a negative predictive value of 95%. In summary, the available evidence is currently insufficient to determine the role of this variant in disease. Therefore, it has been classified as a Variant of Uncertain Significance.

NM_001256071.3(RNF213):c.12107T>C (p.Leu4036Ser)

Genes: RNF213 (ring finger protein 213; plus strand), RNF213-AS1 (RNF213 antisense RNA 1; minus strand). Cytogenetic location: 17q25.3.
Variant type: single nucleotide variant.
Coding change: c.12107T>C on transcript NM_001256071.3 (MANE Select); coding-DNA position 12107, T replaced by C.
Protein change: p.Leu4036Ser; replaces leucine 4036 with serine.
Molecular consequence: missense variant.
Genome position (GRCh38, 1-based): chr17:80,368,095, T>C. VCF-style: chr17-80368095-T-C. GRCh37 (hg19) VCF-style: chr17-78341895-T-C.
Other names: c.12254T>C, p.Leu4085Ser (NM_001410195.1, NM_020914.5); short protein forms L4036S, L4085S.
Identifiers: ClinVar variation 4540226 (VCV004540226.2).